The following is an entry in ClinVar:

ClinVar aggregate classification (germline): Benign/Likely benign. Review status: criteria provided, multiple submitters, no conflicts (2 of 4 stars). 6 submissions from 6 submitters: Benign (2); Likely benign (4). Last evaluated 2025-10-01.

Conditions:
Hereditary cancer-predisposing syndrome. Also called: Tumor predisposition; Hereditary Cancer Syndrome; Hereditary neoplastic syndrome; Neoplastic Syndromes, Hereditary. Identifiers: Orphanet 140162, MedGen C0027672, MeSH D009386, MONDO:0015356.
Renal cell carcinoma. Identifiers: Orphanet 217071, MedGen C0007134, MeSH D002292, MONDO:0005086, HP:0005584.
Papillary renal cell carcinoma type 1 (RCCP1). Also called: RENAL CELL CARCINOMA, PAPILLARY, 1, SOMATIC; Renal adenocarcinoma; Renal cell carcinoma 1; Renal cell carcinoma, somatic. Identifiers: Orphanet 47044, MedGen C1336839, OMIM 605074, HP:0011797.

Allele frequency attached by ClinVar (database versions not stated): gnomAD below 0.00001 and 0.00003; TOPMed 0.00001; gnomAD exomes 0.00002 and 0.00004; ExAC 0.00006; 1000 Genomes Project 30x 0.00047; 1000 Genomes Project 0.00060.
gnomAD v4.1: 35 of 1,614,028 alleles (0.0022%); highest among the groups gnomAD compares: South Asian, 0.034%; no homozygotes.

Submissions (6):

Labcorp Genetics (formerly Invitae), Labcorp
Classification: Likely benign for Renal cell carcinoma. Last evaluated: 2025-10-01. Review status: criteria provided, single submitter. Criteria: Invitae Variant Classification Sherloc (09022015). Collection method: clinical testing. Allele origin: germline.

KCCC/NGS Laboratory, Kuwait Cancer Control Center
Classification: Benign for Papillary renal cell carcinoma type 1. Last evaluated: 2025-02-01. Review status: criteria provided, single submitter. Criteria: ACMG Guidelines, 2015. Collection method: clinical testing. Allele origin: germline. Affected: no.

Myriad Genetics, Inc.
Classification: Benign for Papillary renal cell carcinoma type 1. Last evaluated: 2024-11-06. Review status: criteria provided, single submitter. Criteria: Myriad Autosomal Dominant, Autosomal Recessive and X-Linked Classification Criteria (2023). Collection method: clinical testing. Allele origin: unknown.
Comment: This variant is considered benign. This variant is a silent/synonymous amino acid change and it is not expected to impact splicing.

Blueprint Genetics
Classification: Likely benign. Last evaluated: 2023-08-17. Review status: criteria provided, single submitter. Criteria: ACMG Guidelines, 2015. Collection method: clinical testing. Allele origin: germline.

Ambry Genetics
Classification: Likely benign for Hereditary cancer-predisposing syndrome. Last evaluated: 2022-03-06. Review status: criteria provided, single submitter. Criteria: Ambry Variant Classification Scheme 2023. Collection method: clinical testing. Allele origin: germline.

GeneDx
Classification: Likely benign. Last evaluated: 2020-07-10. Review status: criteria provided, single submitter. Criteria: GeneDx Variant Classification Process June 2021. Collection method: clinical testing. Allele origin: germline. Affected: yes.

NM_000245.4(MET):c.633G>A (p.Leu211=)

Gene: MET (MET proto-oncogene, receptor tyrosine kinase; plus strand). Cytogenetic location: 7q31.2.
Variant type: single nucleotide variant.
Coding change: c.633G>A on transcript NM_000245.4 (MANE Select); coding-DNA position 633, G replaced by A.
Protein change: p.Leu211=; no amino-acid change (leucine 211 retained).
Molecular consequence: synonymous variant. On other transcripts: intron variant (1).
Genome position (GRCh38, 1-based): chr7:116,699,717, G>A. VCF-style: chr7-116699717-G-A. GRCh37 (hg19) VCF-style: chr7-116339771-G-A.
Other names: c.633G>A, p.Leu211= (NM_001127500.3, NM_001324401.3); c.-91+27140G>A (NM_001324402.2); c.633G>A (NM_001127500.2).
Identifiers: ClinVar variation 416929 (VCV000416929.19), dbSNP rs552870344, ClinGen allele CA4448011.